The following is an entry in ClinVar:

NC_000015.10:g.(?_48596263)_(48644789_?)del

Genes: FBN1 (fibrillin 1; minus strand), LOC130057019 (ATAC-STARR-seq lymphoblastoid silent region 6417; plus strand). Cytogenetic location: 15q21.1.
Variant type: Deletion.
Identifiers: ClinVar variation 583422 (VCV000583422.2).

ClinVar aggregate classification (germline): Pathogenic (1 of 4 stars; one submission).

Conditions:
Familial thoracic aortic aneurysm and aortic dissection (TAAD). Also called: Thoracic aortic aneurysms and dissections. Identifiers: Orphanet 91387, MedGen C4707243, MONDO:0019625.
Marfan syndrome (MFS). Also called: FBN1-Related Marfan Syndrome; Marfan syndrome type 1; Marfan's syndrome; Marfan syndrome, classic; MARFAN SYNDROME, TYPE I. Identifiers: Orphanet 284963, Orphanet 558, MedGen C0024796, MONDO:0007947, OMIM 154700.

Submission:

Labcorp Genetics (formerly Invitae), Labcorp
Classification: Pathogenic for Marfan syndrome; Familial thoracic aortic aneurysm and aortic dissection. Last evaluated: 2018-08-15. Review status: criteria provided, single submitter. Criteria: Invitae Variant Classification Sherloc (09022015). Collection method: clinical testing. Allele origin: germline.
Comment: This variant is a gross deletion of the genomic region encompassing exons 2-6 of the FBN1 gene, which includes the initiator codon. The 5' end of this event is unknown as it extends beyond the assayed region for this gene and therefore may encompass additional genes. The 3' boundary is likely confined to intron 6 of the FBN1 gene. This is expected to result in an absent or disrupted protein product. This variant has not been reported in the literature in individuals with FBN1-related disease. Loss-of-function variants in FBN1 are known to be pathogenic (PMID: 17657824, 19293843). For these reasons, this variant has been classified as Pathogenic.